The following is an entry in ClinVar:

NC_000007.13:g.(?_286361)_(299946_?)dup

Gene: FAM20C (FAM20C golgi associated secretory pathway kinase; plus strand). Cytogenetic location: 7p22.3.
Variant type: Duplication.
Identifiers: ClinVar variation 2426531 (VCV002426531.3).

ClinVar aggregate classification (germline): Uncertain significance (1 of 4 stars; one submission).

Submission:

Labcorp Genetics (formerly Invitae), Labcorp
Classification: Uncertain significance. Last evaluated: 2022-09-27. Review status: criteria provided, single submitter. Criteria: Invitae Variant Classification Sherloc (09022015). Collection method: clinical testing. Allele origin: germline.
Comment: This variant results in a copy number gain of the genomic region encompassing exon(s) 4-10 of the FAM20C gene. This region includes the termination codon of the gene. This copy number gain extends beyond the assayed region for this gene and therefore may encompass additional genes. As the precise location of this event is unknown, it may be in tandem or it may be located elsewhere in the genome. This variant has not been reported in the literature in individuals affected with FAM20C-related conditions. Experimental studies and prediction algorithms are not available or were not evaluated, and the functional significance of this variant is currently unknown. In summary, the available evidence is currently insufficient to determine the role of this variant in disease. Therefore, it has been classified as a Variant of Uncertain Significance.